The following is an entry in ClinVar:

ClinVar aggregate classification (germline): Uncertain significance (1 of 4 stars; one submission).

Submission:

GeneDx
Classification: Uncertain significance. Last evaluated: 2026-04-19. Review status: criteria provided, single submitter. Criteria: GeneDx Variant Classification Process June 2021. Collection method: clinical testing. Allele origin: germline.
Comment: Not observed at significant frequency in large population cohorts (gnomAD); In silico analysis suggests that this missense variant does not alter protein structure/function; Has not been previously published as pathogenic or benign to our knowledge

NM_001080517.3(SETD5):c.2537A>T (p.Lys846Met)

Gene: SETD5 (SET domain containing 5; plus strand). Cytogenetic location: 3p25.3.
Variant type: single nucleotide variant.
Coding change: c.2537A>T on transcript NM_001080517.3 (MANE Select); coding-DNA position 2537, A replaced by T.
Protein change: p.Lys846Met; replaces lysine 846 with methionine.
Molecular consequence: missense variant.
Genome position (GRCh38, 1-based): chr3:9,464,485, A>T. VCF-style: chr3-9464485-A-T. GRCh37 (hg19) VCF-style: chr3-9506169-A-T.
Other names: c.2243A>T, p.Lys748Met (NM_001292043.2, NM_001349451.2); c.2633A>T, p.Lys878Met (NM_001437633.1); c.2594A>T, p.Lys865Met (NM_001437635.1); c.2537A>T, p.Lys846Met (NM_001437643.1); c.2576A>T, p.Lys859Met (NM_001437701.1); short protein forms K748M, K846M, K859M, K865M, K878M.
Identifiers: ClinVar variation 5037335 (VCV005037335.1).